The following is an entry in ClinVar:

NM_016648.4(LARP7):c.825_834del (p.Lys275fs)

Genes: LARP7 (La ribonucleoprotein 7, transcriptional regulator; plus strand), MIR302CHG (miR-302/367 cluster host gene; minus strand). Cytogenetic location: 4q25.
Variant type: Deletion.
Coding change: c.825_834del on transcript NM_016648.4 (MANE Select); coding-DNA positions 825 to 834, 10 bases deleted (AAAGAAAAAA; older notation c.825_834delAAAGAAAAAA).
Protein change: p.Lys275fs; shifts the reading frame from lysine 275.
Molecular consequence: frameshift variant.
Genome position (GRCh38, 1-based): chr4:112,647,377-112,647,386, AAAGAAAAAA deleted; deleting any 10 consecutive bases within chr4:112,647,375-112,647,386 gives the same sequence; the c. name uses the placement nearest the transcript's 3' end. VCF-style (leftmost placement, unchanged base first): chr4-112647374-GAAAAAGAAAA-G. GRCh37 (hg19) VCF-style: chr4-113568530-GAAAAAGAAAA-G.
Other names: c.825_834del, p.Lys275fs (NM_001267039.4, NM_001370974.1, NM_001370975.1 and 2 more transcripts); c.822_831del, p.Lys274fs (NM_001370976.1, NM_001370977.1, NM_001370979.1 and 1 more transcripts); c.588_597del, p.Lys196fs (NM_001370981.1, NM_001370982.1); short protein forms K274fs, K196fs, K275fs.
Identifiers: ClinVar variation 1458227 (VCV001458227.7), dbSNP rs2149266244, ClinGen allele CA440875366.
Genomic context (GRCh38, chr4:112,647,374, plus strand): 5'-CAGACCCACATCTGAGGGCTCTGACATTGAGTCCACTGAACCCCAAAAGCAGTGCTCAAA[GAAAAAGAAAA>G]AACGGGACAGAGTTGAAGCATCTAGCTTACCTGAAGTCAGAACAGGGAAGAGGAAGAGAA-3'

ClinVar aggregate classification (germline): Pathogenic (1 of 4 stars; one submission).

Submission:

Labcorp Genetics (formerly Invitae), Labcorp
Classification: Pathogenic. Last evaluated: 2022-07-12. Review status: criteria provided, single submitter. Criteria: Invitae Variant Classification Sherloc (09022015). Collection method: clinical testing. Allele origin: germline.
Comment: This variant has not been reported in the literature in individuals affected with LARP7-related conditions. This variant is not present in population databases (gnomAD no frequency). This sequence change creates a premature translational stop signal (p.Lys275Asnfs*29) in the LARP7 gene. It is expected to result in an absent or disrupted protein product. Loss-of-function variants in LARP7 are known to be pathogenic (PMID: 22865833, 26374271, 26607181). ClinVar contains an entry for this variant (Variation ID: 1458227). For these reasons, this variant has been classified as Pathogenic.

Literature cited by the submitters: PubMed 22865833; PubMed 26374271; PubMed 26607181.